The following is an entry in ClinVar:

NM_001368882.1(COL13A1):c.1610A>G (p.Lys537Arg)

Gene: COL13A1 (collagen type XIII alpha 1 chain; plus strand). Cytogenetic location: 10q22.1.
Variant type: single nucleotide variant.
Coding change: c.1610A>G on transcript NM_001368882.1 (MANE Select); coding-DNA position 1610, A replaced by G.
Protein change: p.Lys537Arg; replaces lysine 537 with arginine.
Molecular consequence: missense variant.
Genome position (GRCh38, 1-based): chr10:69,930,479, A>G. VCF-style: chr10-69930479-A-G. GRCh37 (hg19) VCF-style: chr10-71690235-A-G.
Other names: c.1577A>G, p.Lys526Arg (NM_001130103.2); c.1547A>G, p.Lys516Arg (NM_001320951.2, NM_001368884.1); c.1574A>G, p.Lys525Arg (NM_001368883.1); c.1511A>G, p.Lys504Arg (NM_001368885.1, NM_080801.4, NM_080802.4); c.947A>G, p.Lys316Arg (NM_001368886.1); c.1520A>G, p.Lys507Arg (NM_001368895.1, NM_080800.4); c.1406A>G, p.Lys469Arg (NM_001368896.1, NM_001368898.1, NM_080798.4); c.1433A>G, p.Lys478Arg (NM_001368897.1); and 1 more; short protein forms K475R, K504R, K507R, K526R, K316R, K469R, K516R, K525R.
Identifiers: ClinVar variation 1033311 (VCV001033311.1), dbSNP rs1015279176, ClinGen allele CA209275494.

ClinVar aggregate classification (germline): Uncertain significance (1 of 4 stars; one submission).

Conditions:
Congenital myasthenic syndrome 19. Identifiers: Orphanet 590, MedGen C4225235, MONDO:0014745, OMIM 616720.

Allele frequency attached by ClinVar (database versions not stated): gnomAD 0.00001; gnomAD exomes 0.00001; TOPMed 0.00001 and 0.00002.
gnomAD v4.1: 17 of 1,613,738 alleles (0.0011%); highest among the groups gnomAD compares: Admixed American, 0.0033%; no homozygotes.

Submission:

Baylor Genetics
Classification: Uncertain significance for Congenital myasthenic syndrome 19. Last evaluated: 2018-09-27. Review status: criteria provided, single submitter. Criteria: ACMG Guidelines, 2015. Collection method: clinical testing. Allele origin: paternal. Affected: yes.
Comment: This variant was determined to be of uncertain significance according to ACMG Guidelines, 2015 [PMID:25741868].